The following is an entry in ClinVar:

NM_000053.4(ATP7B):c.436_1708-958del

Gene: ATP7B (ATPase copper transporting beta; minus strand). Cytogenetic location: 13q14.3.
Variant type: Deletion.
Coding change: c.436_1708-958del on transcript NM_000053.4 (MANE Select); coding-DNA position 436 through 958 bases into the intron before coding-DNA position 1708, 8,794 bases deleted.
Molecular consequence: splice acceptor variant, splice donor variant.
Genome position (GRCh38, 1-based): chr13:51,965,991-51,974,784, 8,794 bases deleted. GRCh37 (hg19): chr13:52,540,127-52,548,920.
Other names: c.436_1375-958del (NM_001243182.2); c.436_1708-958del (NM_001005918.3, NM_001330579.2, NM_001330578.2).
Identifiers: ClinVar variation 1878229 (VCV001878229.1), ClinGen allele CA2580087775.

ClinVar aggregate classification (germline): Pathogenic (1 of 4 stars; one submission).

Conditions:
Wilson disease (WND). Also called: Wilson's disease. Identifiers: Orphanet 905, MedGen C0019202, MONDO:0010200, OMIM 277900. Disease mechanism: loss of function.

Submission:

Women's Health and Genetics/Laboratory Corporation of America, LabCorp
Classification: Pathogenic for Wilson disease. Last evaluated: 2022-12-07. Review status: criteria provided, single submitter. Criteria: LabCorp Variant Classification Summary - May 2015. Collection method: clinical testing. Allele origin: germline.
Comment: Variant summary: The variant identified by MLPA or other technology involves the deletion of partial exon 2, and full exons 3-4 in the ATP7B gene. A presumed nomenclature of c.436_1708-958del8794 has been designated for the purposes of this classification. Although exact breakpoints of this deletion are not known, it is expected to result in a large deletion in the ATP7B gene, a known mechanism of disease. The variant was absent in 21694 control chromosomes in the gnomAD database (structural variants data set). A similar deletion (designated as c.51+384_1708-953del, HGVS c.436_1708-954del8798) has been reported in the literature in an individual affected with Wilson Disease in homozygous state (example: Incollu_2011). No clinical diagnostic laboratories have submitted clinical-significance assessments for this variant to ClinVar after 2014. Based on the evidence outlined above, the variant was classified as pathogenic.

Literature cited by the submitters: PubMed 21925265.